The following is an entry in ClinVar:

ClinVar aggregate classification (germline): Uncertain significance. Review status: criteria provided, multiple submitters, no conflicts (2 of 4 stars). 2 submissions from 2 submitters: Uncertain significance (2). Last evaluated 2025-05-08.

Conditions:
Hereditary pheochromocytoma and paraganglioma. Also called: Hereditary paragangliomas and pheochromocytomas; Hereditary Paraganglioma-Pheochromocytoma Syndromes; Hereditary pheochromocytoma-paraganglioma. Identifiers: Orphanet 29072, MedGen C4274332, MONDO:0017366.
Hereditary cancer-predisposing syndrome. Also called: Tumor predisposition; Hereditary Cancer Syndrome; Hereditary neoplastic syndrome; Neoplastic Syndromes, Hereditary. Identifiers: Orphanet 140162, MedGen C0027672, MeSH D009386, MONDO:0015356.

Submissions (2):

Ambry Genetics
Classification: Uncertain significance for Hereditary cancer-predisposing syndrome. Last evaluated: 2025-05-08. Review status: criteria provided, single submitter. Criteria: Ambry Variant Classification Scheme 2023. Collection method: clinical testing. Allele origin: germline.
Comment: The p.S27G variant (also known as c.79A>G), located in coding exon 2 of the SDHAF2 gene, results from an A to G substitution at nucleotide position 79. The serine at codon 27 is replaced by glycine, an amino acid with similar properties. This amino acid position is conserved. In addition, this alteration is predicted to be tolerated by in silico analysis. Based on the available evidence, the clinical significance of this variant remains unclear.

Labcorp Genetics (formerly Invitae), Labcorp
Classification: Uncertain significance for Hereditary pheochromocytoma and paraganglioma. Last evaluated: 2021-06-11. Review status: criteria provided, single submitter. Criteria: Invitae Variant Classification Sherloc (09022015). Collection method: clinical testing. Allele origin: germline.
Comment: This sequence change replaces serine with glycine at codon 27 of the SDHAF2 protein (p.Ser27Gly). The serine residue is weakly conserved and there is a small physicochemical difference between serine and glycine. This variant is not present in population databases (ExAC no frequency). This variant has not been reported in the literature in individuals with SDHAF2-related conditions. Algorithms developed to predict the effect of missense changes on protein structure and function output the following: SIFT: "Tolerated"; PolyPhen-2: "Benign"; Align-GVGD: "Class C0". The glycine amino acid residue is found in multiple mammalian species, suggesting that this missense change does not adversely affect protein function. These predictions have not been confirmed by published functional studies and their clinical significance is uncertain. In summary, the available evidence is currently insufficient to determine the role of this variant in disease. Therefore, it has been classified as a Variant of Uncertain Significance.

NM_017841.4(SDHAF2):c.79A>G (p.Ser27Gly)

Gene: SDHAF2 (succinate dehydrogenase complex assembly factor 2; plus strand). Cytogenetic location: 11q12.2.
Variant type: single nucleotide variant.
Coding change: c.79A>G on transcript NM_017841.4 (MANE Select); coding-DNA position 79, A replaced by G.
Protein change: p.Ser27Gly; replaces serine 27 with glycine.
Molecular consequence: missense variant.
Genome position (GRCh38, 1-based): chr11:61,437,667, A>G. VCF-style: chr11-61437667-A-G. GRCh37 (hg19) VCF-style: chr11-61205139-A-G.
Other names: c.79A>G (NM_017841.2); short protein forms S27G.
Identifiers: ClinVar variation 1360284 (VCV001360284.9), dbSNP rs2134892157, ClinGen allele CA380682933.